The following is an entry in ClinVar:

ClinVar aggregate classification (germline): Uncertain significance (1 of 4 stars; one submission).

Conditions:
Muscle AMP deaminase deficiency (MMDD). Also called: AMPD1 DEFICIENCY; Myoadenylate deaminase deficiency, myopathy due to; Adenosine monophosphate deaminase 1 deficiency; AMP deaminase 1 deficiency; Adenosine Monophosphate Deaminase 1; ADENOSINE MONOPHOSPHATE DEAMINASE-1 DEFICIENCY, MYOPATHY DUE TO. Identifiers: Orphanet 45, MedGen C3714933, MONDO:0014220, OMIM 615511.

Submission:

Labcorp Genetics (formerly Invitae), Labcorp
Classification: Uncertain significance for Muscle AMP deaminase deficiency. Last evaluated: 2021-04-27. Review status: criteria provided, single submitter. Criteria: Invitae Variant Classification Sherloc (09022015). Collection method: clinical testing. Allele origin: germline.
Comment: In summary, the available evidence is currently insufficient to determine the role of this variant in disease. Therefore, it has been classified as a Variant of Uncertain Significance. Algorithms developed to predict the effect of missense changes on protein structure and function (SIFT, PolyPhen-2, Align-GVGD) all suggest that this variant is likely to be disruptive, but these predictions have not been confirmed by published functional studies and their clinical significance is uncertain. This variant has not been reported in the literature in individuals with AMPD1-related conditions. This variant is not present in population databases (ExAC no frequency). This sequence change replaces glycine with arginine at codon 610 of the AMPD1 protein (p.Gly610Arg). The glycine residue is highly conserved and there is a moderate physicochemical difference between glycine and arginine.

NM_000036.3(AMPD1):c.1729G>A (p.Gly577Arg)

Gene: AMPD1 (adenosine monophosphate deaminase 1; minus strand). Cytogenetic location: 1p13.2.
Variant type: single nucleotide variant.
Coding change: c.1729G>A on transcript NM_000036.3 (MANE Select); coding-DNA position 1729, G replaced by A.
Protein change: p.Gly577Arg; replaces glycine 577 with arginine.
Molecular consequence: missense variant.
Genome position (GRCh38, 1-based): chr1:114,674,823, C>T on the plus strand (G>A on the coding strand, the complement: AMPD1 is on the minus strand). VCF-style: chr1-114674823-C-T. GRCh37 (hg19) VCF-style: chr1-115217444-C-T.
Other names: c.1717G>A, p.Gly573Arg (NM_001172626.2); short protein forms G573R, G577R.
Identifiers: ClinVar variation 1402959 (VCV001402959.8), dbSNP rs2101711121, ClinGen allele CA341746186.